The following is an entry in ClinVar:

ClinVar aggregate classification (germline): Uncertain significance (1 of 4 stars; one submission).

Conditions:
Spermatogenic failure 45. Identifiers: MedGen C5436791, MONDO:0033671, OMIM 619094.

gnomAD v4.1: 40 of 1,613,724 alleles (0.0025%); highest among the groups gnomAD compares: East Asian, 0.087%; no homozygotes.

Submission:

Juno Genomics, Hangzhou Juno Genomics, Inc
Classification: Uncertain significance for Spermatogenic failure 45. Review status: criteria provided, single submitter. Criteria: ACMG Guidelines, 2015. Collection method: clinical testing. Allele origin: germline.
Comment: Missense variant in a gene that has a low rate of benign missense variation.;Patient's phenotype or family history is highly specific for a disease with a single genetic etiology.

NM_020877.5(DNAH2):c.9291G>T (p.Glu3097Asp)

Gene: DNAH2 (dynein axonemal heavy chain 2; plus strand). Cytogenetic location: 17p13.1.
Variant type: single nucleotide variant.
Coding change: c.9291G>T on transcript NM_020877.5 (MANE Select); coding-DNA position 9291, G replaced by T.
Protein change: p.Glu3097Asp; replaces glutamic acid 3097 with aspartic acid.
Molecular consequence: missense variant.
Genome position (GRCh38, 1-based): chr17:7,805,065, G>T. VCF-style: chr17-7805065-G-T. GRCh37 (hg19) VCF-style: chr17-7708383-G-T.
Other names: short protein forms E3097D.
Identifiers: ClinVar variation 5005827 (VCV005005827.2).